The following is an entry in ClinVar:

NM_001242809.2(ANKRD6):c.471G>A (p.Thr157=)

Gene: ANKRD6 (ankyrin repeat domain 6; plus strand). Cytogenetic location: 6q15.
Variant type: single nucleotide variant.
Coding change: c.471G>A on transcript NM_001242809.2 (MANE Select); coding-DNA position 471, G replaced by A.
Protein change: p.Thr157=; no amino-acid change (threonine 157 retained).
Molecular consequence: synonymous variant.
Genome position (GRCh38, 1-based): chr6:89,612,325, G>A. VCF-style: chr6-89612325-G-A. GRCh37 (hg19) VCF-style: chr6-90322044-G-A.
Other names: c.471G>A, p.Thr157= (NM_001242811.1, NM_001242813.1, NM_014942.4); c.372G>A, p.Thr124= (NM_001242814.1).
Identifiers: ClinVar variation 3046684 (VCV003046684.2), dbSNP rs377367109, ClinGen allele CA3921159.

ClinVar aggregate classification (germline): Likely benign (0 of 4 stars; one submission).

Conditions:
ANKRD6-related disorder. Also called: ANKRD6-related condition.

Allele frequency attached by ClinVar (database versions not stated): ESP Exome Variant Server 0.00024; TOPMed 0.00033; gnomAD 0.00036; ExAC 0.00048; gnomAD exomes 0.00077.
gnomAD v4.1: 1,135 of 1,566,304 alleles (0.072%); highest among the groups gnomAD compares: Non-Finnish European, 0.093%; no homozygotes.

Submission:

PreventionGenetics, part of Exact Sciences
Classification: Likely benign for ANKRD6-related condition. Last evaluated: 2019-04-09. Review status: no assertion criteria provided. Collection method: clinical testing. Allele origin: germline.
Comment: This variant is classified as likely benign based on ACMG/AMP sequence variant interpretation guidelines (Richards et al. 2015 PMID: 25741868, with internal and published modifications).